The following is an entry in ClinVar:

ClinVar aggregate classification (germline): Uncertain significance. Review status: criteria provided, multiple submitters, no conflicts (2 of 4 stars). 4 submissions from 4 submitters: Uncertain significance (3). 1 of the submissions does not count toward it. Last evaluated 2024-11-27.

Conditions:
ABCG5-related disorder. Also called: ABCG5-related condition.
Sitosterolemia (STSL). Also called: PHYTOSTEROLEMIA. Identifiers: Orphanet 2882, MedGen C0342907, MONDO:0008863.
Cardiovascular phenotype. Identifiers: MedGen CN230736.

Allele frequency attached by ClinVar (database versions not stated): ExAC 0.00002; gnomAD exomes 0.00002; TOPMed 0.00002; gnomAD 0.00003.
gnomAD v4.1: 24 of 1,613,864 alleles (0.0015%); highest among the groups gnomAD compares: Middle Eastern, 0.016%; no homozygotes.

Submissions (4):

Ambry Genetics
Classification: Uncertain significance for Cardiovascular phenotype. Last evaluated: 2024-11-27. Review status: criteria provided, single submitter. Criteria: Ambry Variant Classification Scheme 2023. Collection method: clinical testing. Allele origin: germline.
Comment: The p.R61W variant (also known as c.181C>T), located in coding exon 2 of the ABCG5 gene, results from a C to T substitution at nucleotide position 181. The arginine at codon 61 is replaced by tryptophan, an amino acid with dissimilar properties. This amino acid position is conserved. In addition, this alteration is predicted to be tolerated by in silico analysis. Based on the available evidence, the clinical significance of this variant remains unclear.

Labcorp Genetics (formerly Invitae), Labcorp
Classification: Uncertain significance for Sitosterolemia. Last evaluated: 2021-08-27. Review status: criteria provided, single submitter. Criteria: Invitae Variant Classification Sherloc (09022015). Collection method: clinical testing. Allele origin: germline.
Comment: This sequence change replaces arginine with tryptophan at codon 61 of the ABCG5 protein (p.Arg61Trp). The arginine residue is weakly conserved and there is a moderate physicochemical difference between arginine and tryptophan. This variant is present in population databases (rs766545187, ExAC 0.004%). This variant has not been reported in the literature in individuals affected with ABCG5-related conditions. ClinVar contains an entry for this variant (Variation ID: 598505). Algorithms developed to predict the effect of missense changes on protein structure and function output the following: SIFT: "Tolerated"; PolyPhen-2: "Benign"; Align-GVGD: "Class C0". The tryptophan amino acid residue is found in multiple mammalian species, which suggests that this missense change does not adversely affect protein function. In summary, the available evidence is currently insufficient to determine the role of this variant in disease. Therefore, it has been classified as a Variant of Uncertain Significance.

Eurofins Ntd Llc (ga)
Classification: Uncertain significance. Last evaluated: 2018-08-22. Review status: criteria provided, single submitter. Criteria: EGL ClinVar v180209 classification definitions. Collection method: clinical testing. Allele origin: germline. Observed: 1 variant allele, 1 heterozygote.

PreventionGenetics, part of Exact Sciences
Classification: Uncertain significance for ABCG5-related condition. Last evaluated: 2024-02-27. Review status: no assertion criteria provided. Collection method: clinical testing. Allele origin: germline. Not counted in ClinVar's aggregate classification.
Comment: The ABCG5 c.181C>T variant is predicted to result in the amino acid substitution p.Arg61Trp. To our knowledge, this variant has not been reported in the literature. This variant is reported in 0.0040% of alleles in individuals of African descent in gnomAD. At this time, the clinical significance of this variant is uncertain due to the absence of conclusive functional and genetic evidence.

NM_022436.3(ABCG5):c.181C>T (p.Arg61Trp)

Gene: ABCG5 (ATP binding cassette subfamily G member 5; minus strand). Cytogenetic location: 2p21.
Variant type: single nucleotide variant.
Coding change: c.181C>T on transcript NM_022436.3 (MANE Select); coding-DNA position 181, C replaced by T.
Protein change: p.Arg61Trp; replaces arginine 61 with tryptophan.
Molecular consequence: missense variant.
Genome position (GRCh38, 1-based): chr2:43,837,918, G>A on the plus strand (C>T on the coding strand, the complement: ABCG5 is on the minus strand). VCF-style: chr2-43837918-G-A. GRCh37 (hg19) VCF-style: chr2-44065057-G-A.
Other names: c.181C>T (NM_022436.2); short protein forms R61W.
Identifiers: ClinVar variation 598505 (VCV000598505.14), dbSNP rs766545187, ClinGen allele CA1636753.